The following is an entry in ClinVar:

NM_001130021.3(ATP6V0A1):c.144A>C (p.Gln48His)

Gene: ATP6V0A1 (ATPase H+ transporting V0 subunit a1; plus strand). Cytogenetic location: 17q21.2.
Variant type: single nucleotide variant.
Coding change: c.144A>C on transcript NM_001130021.3 (MANE Select); coding-DNA position 144, A replaced by C.
Protein change: p.Gln48His; replaces glutamine 48 with histidine.
Molecular consequence: missense variant. On other transcripts: 5 prime UTR variant (2).
Genome position (GRCh38, 1-based): chr17:42,466,455, A>C. VCF-style: chr17-42466455-A-C. GRCh37 (hg19) VCF-style: chr17-40618473-A-C.
Other names: c.144A>C, p.Gln48His (NM_001130020.3, NM_001378522.1, NM_001378523.1 and 26 more transcripts); c.-37A>C (NM_001378543.1, NM_001378549.1, NM_001378553.1); short protein forms Q48H.
Identifiers: ClinVar variation 3068939 (VCV003068939.2), dbSNP rs112804782, ClinGen allele CA290759160.

ClinVar aggregate classification (germline): Uncertain significance (1 of 4 stars; one submission).

Submission:

Women's Health and Genetics/Laboratory Corporation of America, LabCorp
Classification: Uncertain significance. Last evaluated: 2024-02-16. Review status: criteria provided, single submitter. Criteria: LabCorp Variant Classification Summary - May 2015. Collection method: clinical testing. Allele origin: germline.
Comment: Variant summary: ATP6V0A1 c.144A>C (p.Gln48His) results in a non-conservative amino acid change in the encoded protein sequence. Four of five in-silico tools predict a damaging effect of the variant on protein function. The variant was absent in 251382 control chromosomes. The available data on variant occurrences in the general population are insufficient to allow any conclusion about variant significance. To our knowledge, no occurrence of c.144A>C in individuals affected with ATP6V0A1-Related Disorders and no experimental evidence demonstrating its impact on protein function have been reported. No submitters have cited clinical-significance assessments for this variant to ClinVar. Based on the evidence outlined above, the variant was classified as uncertain significance.